The following is an entry in ClinVar:

ClinVar aggregate classification (germline): Uncertain significance. Review status: criteria provided, multiple submitters, no conflicts (2 of 4 stars). 2 submissions from 2 submitters: Uncertain significance (2). Last evaluated 2024-07-05.

Conditions:
Familial X-linked hypophosphatemic vitamin D refractory rickets (XLHRD). Also called: X-Linked Hypophosphatemia; HYPOPHOSPHATEMIC VITAMIN D-RESISTANT RICKETS; Hypophosphatemic Rickets, X-Linked Dominant; Hypophosphatemia, vitamin D-resistant rickets; Vitamin D-resistant rickets, X-linked. Identifiers: Orphanet 89936, MedGen C0733682, MONDO:0010619, OMIM 307800.

Submissions (2):

MVZ Medizinische Genetik Mainz
Classification: Uncertain significance for Familial X-linked hypophosphatemic vitamin D refractory rickets. Last evaluated: 2024-07-05. Review status: criteria provided, single submitter. Criteria: UK Practice Guidelines For Variant Classification V4 01 2020. Collection method: clinical testing. Allele origin: germline. Inheritance: X-linked dominant inheritance. Affected: yes. Observed: 1 variant allele.
Comment: ACMG Criteria: PP3_MOD,PM2_SUP

Blueprint Genetics
Classification: Uncertain significance. Last evaluated: 2024-04-24. Review status: criteria provided, single submitter. Criteria: ACMG Guidelines, 2015. Collection method: clinical testing. Allele origin: germline.

NM_000444.6(PHEX):c.1808G>C (p.Trp603Ser)

Genes: PHEX (phosphate regulating endopeptidase X-linked; plus strand), PTCHD1-AS (PTCHD1 and PHEX antisense RNA; minus strand). Cytogenetic location: Xp22.11.
Variant type: single nucleotide variant.
Coding change: c.1808G>C on transcript NM_000444.6 (MANE Select); coding-DNA position 1808, G replaced by C.
Protein change: p.Trp603Ser; replaces tryptophan 603 with serine.
Molecular consequence: missense variant.
Genome position (GRCh38, 1-based): chrX:22,221,652, G>C. VCF-style: chrX-22221652-G-C. GRCh37 (hg19) VCF-style: chrX-22239769-G-C.
Other names: c.1808G>C, p.Trp603Ser (NM_001282754.2); short protein forms W603S.
Identifiers: ClinVar variation 3256895 (VCV003256895.2).